The following is an entry in ClinVar:

ClinVar aggregate classification (germline): Conflicting classifications of pathogenicity. Review status: criteria provided, conflicting classifications (1 of 4 stars). 2 submissions from 2 submitters: Uncertain significance (1); Likely benign (1). Last evaluated 2025-05-12.

Conditions:
PLCB4-related disorder. Also called: PLCB4-related condition.

gnomAD v4.1: 971 of 1,614,038 alleles (0.06%); highest among the groups gnomAD compares: Middle Eastern, 0.13%; 1 homozygote.

Submissions (2):

PreventionGenetics, part of Exact Sciences
Classification: Uncertain significance for PLCB4-related condition. Last evaluated: 2025-05-12. Review status: criteria provided, single submitter. Criteria: ACMG Guidelines, 2015. Collection method: clinical testing. Allele origin: germline.
Comment: The PLCB4 c.922C>T variant is predicted to result in the amino acid substitution p.Arg308Cys. To our knowledge, this variant has not been reported in the literature. This variant is reported in 0.076% of alleles in individuals of Latino descent in gnomAD. Although we suspect that this variant may be benign, at this time, the clinical significance of this variant is uncertain due to the absence of conclusive functional and genetic evidence.

Labcorp Genetics (formerly Invitae), Labcorp
Classification: Likely benign. Last evaluated: 2024-12-02. Review status: criteria provided, single submitter. Criteria: Invitae Variant Classification Sherloc (09022015). Collection method: clinical testing. Allele origin: germline.

NM_001377142.1(PLCB4):c.922C>T (p.Arg308Cys)

Gene: PLCB4 (phospholipase C beta 4; plus strand). Cytogenetic location: 20p12.2.
Variant type: single nucleotide variant.
Coding change: c.922C>T on transcript NM_001377142.1 (MANE Select); coding-DNA position 922, C replaced by T.
Protein change: p.Arg308Cys; replaces arginine 308 with cysteine.
Molecular consequence: missense variant.
Genome position (GRCh38, 1-based): chr20:9,384,269, C>T. VCF-style: chr20-9384269-C-T. GRCh37 (hg19) VCF-style: chr20-9364916-C-T.
Other names: c.922C>T, p.Arg308Cys (NM_000933.4, NM_001172646.2, NM_001377134.2 and 4 more transcripts); c.922C>T (NM_000933.3); short protein forms R308C.
Identifiers: ClinVar variation 3672107 (VCV003672107.3).
Genomic context (GRCh38, chr20:9,384,269, plus strand): 5'-TCAAGTGATGGGTTTTGCAGATATCTGATGTCAGATGAAAACGCCCCAGTCTTCCTAGAT[C>T]GTTTAGAACTTTACCAAGAAATGGACCATCCTCTGGCTCACTACTTCATCAGTTCTTCCC-3'
Protein context (NP_001364071.1, residues 298-318): SDENAPVFLD[Arg308Cys]LELYQEMDHP